The following is an entry in ClinVar:

ClinVar aggregate classification (germline): Benign/Likely benign. Review status: criteria provided, multiple submitters, no conflicts (2 of 4 stars). 6 submissions from 6 submitters: Benign (1); Likely benign (3). 2 of the submissions do not count toward it. Last evaluated 2025-11-11.

Conditions:
EIF4G1-related disorder. Also called: EIF4G1-related condition.

Allele frequency attached by ClinVar (database versions not stated): 1000 Genomes Project 0.00180; 1000 Genomes Project 30x 0.00203; gnomAD 0.00330 and 0.00332; TOPMed 0.00342; ExAC 0.00344; gnomAD exomes 0.00348 and 0.00483; ESP Exome Variant Server 0.00431.
gnomAD v4.1: 7,516 of 1,614,146 alleles (0.47%); highest among the groups gnomAD compares: Non-Finnish European, 0.56%; 29 homozygotes.

Submissions (6):

PreventionGenetics, part of Exact Sciences
Classification: Benign for EIF4G1-related condition. Last evaluated: 2025-11-11. Review status: criteria provided, single submitter. Criteria: ACMG Guidelines, 2015. Collection method: clinical testing. Allele origin: germline.
Comment: This variant is classified as benign based on ACMG/AMP sequence variant interpretation guidelines (Richards et al. 2015 PMID: 25741868, with internal and published modifications).

Mayo Clinic Laboratories, Mayo Clinic
Classification: Likely benign. Last evaluated: 2025-09-11. Review status: criteria provided, single submitter. Criteria: ACMG Guidelines, 2015. Collection method: clinical testing. Allele origin: germline. Observed: 6 variant alleles.
Comment: BS2, BP4, BP7

CeGaT Center for Human Genetics Tuebingen
Classification: Likely benign. Last evaluated: 2023-05-01. Review status: criteria provided, single submitter. Criteria: CeGaT Center For Human Genetics Tuebingen Variant Classification Criteria Version 2. Collection method: clinical testing. Allele origin: germline. Affected: yes. Observed: 4 variant alleles.
Comment: EIF4G1: BP4, BP7, BS2

Breakthrough Genomics
Classification: Likely benign. Review status: criteria provided, single submitter. Criteria: ACMG Guidelines, 2015. Collection method: not provided. Allele origin: germline. Inheritance: Autosomal dominant inheritance. Affected: yes.

Clinical Genetics DNA and cytogenetics Diagnostics Lab, Erasmus MC, Erasmus Medical Center
Classification: Likely benign. Review status: no assertion criteria provided. Collection method: clinical testing. Allele origin: germline. Affected: yes. Study: VKGL Data-share Consensus. Not counted in ClinVar's aggregate classification.

Genome Diagnostics Laboratory, Amsterdam University Medical Center
Classification: Likely benign. Review status: no assertion criteria provided. Collection method: clinical testing. Allele origin: germline. Affected: yes. Study: VKGL Data-share Consensus. Not counted in ClinVar's aggregate classification.

Literature cited by the submitters: PubMed 22658323 (cited by Mayo Clinic Laboratories, Mayo Clinic).

NM_198241.3(EIF4G1):c.2976A>G (p.Pro992=)

Gene: EIF4G1 (eukaryotic translation initiation factor 4 gamma 1; plus strand). Cytogenetic location: 3q27.1.
Variant type: single nucleotide variant.
Coding change: c.2976A>G on transcript NM_198241.3 (MANE Select); coding-DNA position 2976, A replaced by G.
Protein change: p.Pro992=; no amino-acid change (proline 992 retained).
Molecular consequence: synonymous variant.
Genome position (GRCh38, 1-based): chr3:184,325,494, A>G. VCF-style: chr3-184325494-A-G. GRCh37 (hg19) VCF-style: chr3-184043282-A-G.
Other names: p.Pro992=; c.2997A>G, p.Pro999= (NM_001194946.2, NM_001194947.2); c.2856A>G, p.Pro952= (NM_001291157.2); c.2391A>G, p.Pro797= (NM_004953.5); c.2979A>G, p.Pro993= (NM_182917.4); c.2484A>G, p.Pro828= (NM_198242.3); c.2715A>G, p.Pro905= (NM_198244.3); c.2976A>G (NM_198241.2).
Identifiers: ClinVar variation 1210046 (VCV001210046.30), dbSNP rs112420733, ClinGen allele CA2732640.
Genomic context (GRCh38, chr3:184,325,494, plus strand): 5'-TCTTGCCTTCCCTGACATCATCGTGACTGGCCCTCTGTCTCCACAGAGCAATTGGGTGCC[A>G]CGCCGAGGGGATCAGGGTCCCAAGACCATTGACCAGATCCATAAGGAGGCTGAGATGGAA-3'
Protein context (NP_937884.2, residues 982-1002): VLDLRGSNWV[Pro992=]RRGDQGPKTI